The following is an entry in ClinVar:

ClinVar aggregate classification (germline): Likely pathogenic (1 of 4 stars; one submission).

Conditions:
Cardiovascular phenotype. Identifiers: MedGen CN230736.

Submission:

Ambry Genetics
Classification: Likely pathogenic for Cardiovascular phenotype. Last evaluated: 2022-10-04. Review status: criteria provided, single submitter. Criteria: Ambry Variant Classification Scheme 2023. Collection method: clinical testing. Allele origin: germline.
Comment: The c.49206delA variant, located in coding exon 153 of the TTN gene, results from a deletion of one nucleotide at nucleotide position 49206, causing a translational frameshift with a predicted alternate stop codon (p.V16403*). This exon is located in the A-band region of the N2-B isoform of the titin protein and is constitutively expressed in TTN transcripts (percent spliced in or PSI 100%). This alteration is expected to result in loss of function by premature protein truncation or nonsense-mediated mRNA decay. While truncating variants in TTN are present in 1-3% of the general population, truncating variants in the A-band are the most common cause of dilated cardiomyopathy (DCM) (Herman DS et al. N. Engl. J. Med., 2012 Feb;366:619-28; Roberts AM et al. Sci Transl Med, 2015 Jan;7:270ra6). TTN truncating variants encoded in constitutive exons (PSI >90%) have been found to be significantly associated with DCM regardless of their position in titin (Schafer S et al. Nat. Genet., 2017 01;49:46-53). This variant is considered to be rare based on population cohorts in the Genome Aggregation Database (gnomAD). Based on the majority of available evidence to date, this variant is likely to be pathogenic.

NM_001267550.2(TTN):c.76401del (p.Glu25467_Val25468insTer)

Genes: TTN-AS1 (TTN antisense RNA 1; plus strand), TTN (titin; minus strand). Cytogenetic location: 2q31.2.
Variant type: Deletion.
Coding change: c.76401del on transcript NM_001267550.2 (MANE Select); coding-DNA position 76401, one base deleted (A; older notation c.76401delA).
Protein change: p.Glu25467_Val25468insTer.
Molecular consequence: frameshift variant.
Genome position (GRCh38, 1-based): chr2:178,569,731, T deleted on the plus strand (A on the coding strand, the reverse complement: TTN is on the minus strand); the first of 2 consecutive T bases (chr2:178,569,731-178,569,732); deleting either gives the same sequence. VCF-style (leftmost placement, unchanged base first): chr2-178569730-CT-C. GRCh37 (hg19) VCF-style: chr2-179434457-CT-C.
Other names: c.71478del, p.Glu23826_Val23827insTer (NM_001256850.1); c.49206del, p.Glu16402_Val16403insTer (NM_003319.4); c.68697del, p.Glu22899_Val22900insTer (NM_133378.4); c.49581del, p.Glu16527_Val16528insTer (NM_133432.3); c.49782del, p.Glu16594_Val16595insTer (NM_133437.4); c.49206delA (NM_003319.4).
Identifiers: ClinVar variation 1744121 (VCV001744121.2), dbSNP rs2468418251, ClinGen allele CA2580064844.